The following is an entry in ClinVar:

NM_152594.3(SPRED1):c.517A>G (p.Ile173Val)

Gene: SPRED1 (sprouty related EVH1 domain containing 1; plus strand). Cytogenetic location: 15q14.
Variant type: single nucleotide variant.
Coding change: c.517A>G on transcript NM_152594.3 (MANE Select); coding-DNA position 517, A replaced by G.
Protein change: p.Ile173Val; replaces isoleucine 173 with valine.
Molecular consequence: missense variant.
Genome position (GRCh38, 1-based): chr15:38,339,830, A>G. VCF-style: chr15-38339830-A-G. GRCh37 (hg19) VCF-style: chr15-38632031-A-G.
Other names: short protein forms I173V.
Identifiers: ClinVar variation 409626 (VCV000409626.34), dbSNP rs1060502504, ClinGen allele CA16614354.

ClinVar aggregate classification (germline): Uncertain significance. Review status: criteria provided, multiple submitters, no conflicts (2 of 4 stars). 4 submissions from 4 submitters: Uncertain significance (4). Last evaluated 2026-07-14.

Conditions:
Cardiovascular phenotype. Identifiers: MedGen CN230736.
Legius syndrome. Identifiers: Orphanet 137605, MedGen C1969623, MONDO:0012669, OMIM 611431. Disease mechanism: loss of function.

Allele frequency attached by ClinVar (database versions not stated): gnomAD exomes 0.00001.
gnomAD v4.1: 3 of 1,613,972 alleles (0.00019%); highest among the groups gnomAD compares: Non-Finnish European, 0.00025%; no homozygotes.

Submissions (4):

Ambry Genetics
Classification: Uncertain significance for Cardiovascular phenotype. Last evaluated: 2026-07-14. Review status: criteria provided, single submitter. Criteria: Ambry Variant Classification Scheme 2023. Collection method: clinical testing. Allele origin: germline.

Labcorp Genetics (formerly Invitae), Labcorp
Classification: Uncertain significance for Legius syndrome. Last evaluated: 2025-05-07. Review status: criteria provided, single submitter. Criteria: Invitae Variant Classification Sherloc (09022015). Collection method: clinical testing. Allele origin: germline.
Comment: This sequence change replaces isoleucine, which is neutral and non-polar, with valine, which is neutral and non-polar, at codon 173 of the SPRED1 protein (p.Ile173Val). This variant is not present in population databases (gnomAD no frequency). This variant has not been reported in the literature in individuals affected with SPRED1-related conditions. ClinVar contains an entry for this variant (Variation ID: 409626). Invitae Evidence Modeling incorporating data from in vitro experimental studies (internal data) indicates that this missense variant is not expected to disrupt SPRED1 function with a negative predictive value of 95%. In summary, the available evidence is currently insufficient to determine the role of this variant in disease. Therefore, it has been classified as a Variant of Uncertain Significance.

St. Jude Molecular Pathology, St. Jude Children's Research Hospital
Classification: Uncertain significance for Legius syndrome. Last evaluated: 2024-08-07. Review status: criteria provided, single submitter. Criteria: St. Jude Assertion Criteria 2020. Collection method: clinical testing. Allele origin: germline.
Comment: The SPRED1 c.517A>G (p.Ile173Val) missense change is absent in gnomAD v2.1.1. The in silico tool REVEL predicts a benign effect on protein function, but to our knowledge this prediction has not been confirmed by functional studies. To our knowledge, this variant has not been reported in the literature in individuals with Legius syndrome. In summary, the evidence currently available is insufficient to determine the clinical significance of this variant. It has therefore been classified as of uncertain significance.

CeGaT Center for Human Genetics Tuebingen
Classification: Uncertain significance. Last evaluated: 2023-12-01. Review status: criteria provided, single submitter. Criteria: CeGaT Center For Human Genetics Tuebingen Variant Classification Criteria Version 2. Collection method: clinical testing. Allele origin: germline. Affected: yes. Observed: 1 variant allele.
Comment: SPRED1: PM2, BP4